The following is an entry in ClinVar:

NM_005188.4(CBL):c.2542G>T (p.Ala848Ser)

Gene: CBL (Cbl proto-oncogene; plus strand). Cytogenetic location: 11q23.3.
Variant type: single nucleotide variant.
Coding change: c.2542G>T on transcript NM_005188.4 (MANE Select); coding-DNA position 2542, G replaced by T.
Protein change: p.Ala848Ser; replaces alanine 848 with serine.
Molecular consequence: missense variant.
Genome position (GRCh38, 1-based): chr11:119,299,602, G>T. VCF-style: chr11-119299602-G-T. GRCh37 (hg19) VCF-style: chr11-119170312-G-T.
Other names: short protein forms A848S.
Identifiers: ClinVar variation 3016871 (VCV003016871.3), dbSNP rs141710973, ClinGen allele CA6318808.

ClinVar aggregate classification (germline): Uncertain significance (1 of 4 stars; one submission).

Conditions:
RASopathy. Also called: Noonan spectrum disorder; rasopathies. Identifiers: Orphanet 536391, MedGen C5555857, MONDO:0021060.

gnomAD v4.1: 3 of 1,614,014 alleles (0.00019%); highest among the groups gnomAD compares: African/African-American, 0.004%; no homozygotes.

Submission:

Labcorp Genetics (formerly Invitae), Labcorp
Classification: Uncertain significance for RASopathy. Last evaluated: 2024-05-22. Review status: criteria provided, single submitter. Criteria: Invitae Variant Classification Sherloc (09022015). Collection method: clinical testing. Allele origin: germline.
Comment: This sequence change replaces alanine, which is neutral and non-polar, with serine, which is neutral and polar, at codon 848 of the CBL protein (p.Ala848Ser). This variant is present in population databases (rs141710973, gnomAD 0.007%). This variant has not been reported in the literature in individuals affected with CBL-related conditions. Advanced modeling of protein sequence and biophysical properties (such as structural, functional, and spatial information, amino acid conservation, physicochemical variation, residue mobility, and thermodynamic stability) performed at Invitae indicates that this missense variant is not expected to disrupt CBL protein function with a negative predictive value of 95%. In summary, the available evidence is currently insufficient to determine the role of this variant in disease. Therefore, it has been classified as a Variant of Uncertain Significance.